The following is an entry in ClinVar:

ClinVar aggregate classification (germline): Uncertain significance. Review status: criteria provided, multiple submitters, no conflicts (2 of 4 stars). 2 submissions from 2 submitters: Uncertain significance (2). Last evaluated 2023-11-10.

Conditions:
Deficiency of ferroxidase (ACEP). Also called: Aceruloplasminemia; Deficiency of ceruloplasmin; Ceruloplasmin deficiency; Familial apoceruloplasmin deficiency; Hereditary ceruloplasmin deficiency; NEURODEGENERATION WITH BRAIN IRON ACCUMULATION 10. Identifiers: Orphanet 48818, MedGen C0878682, MONDO:0011426, OMIM 604290, HP:0025498.

Allele frequency attached by ClinVar (database versions not stated): gnomAD exomes below 0.00001; TOPMed below 0.00001; gnomAD 0.00001.
gnomAD v4.1: 2 of 1,577,464 alleles (0.00013%); highest among the groups gnomAD compares: East Asian, 0.0024%; no homozygotes.

Submissions (2):

Labcorp Genetics (formerly Invitae), Labcorp
Classification: Uncertain significance for Deficiency of ferroxidase. Last evaluated: 2023-11-10. Review status: criteria provided, single submitter. Criteria: Invitae Variant Classification Sherloc (09022015). Collection method: clinical testing. Allele origin: germline.
Comment: This sequence change replaces isoleucine, which is neutral and non-polar, with valine, which is neutral and non-polar, at codon 834 of the CP protein (p.Ile834Val). This variant is not present in population databases (gnomAD no frequency). This variant has not been reported in the literature in individuals affected with CP-related conditions. ClinVar contains an entry for this variant (Variation ID: 1338111). Advanced modeling of protein sequence and biophysical properties (such as structural, functional, and spatial information, amino acid conservation, physicochemical variation, residue mobility, and thermodynamic stability) performed at Invitae indicates that this missense variant is not expected to disrupt CP protein function with a negative predictive value of 80%. In summary, the available evidence is currently insufficient to determine the role of this variant in disease. Therefore, it has been classified as a Variant of Uncertain Significance.

Genetic Services Laboratory, University of Chicago
Classification: Uncertain significance. Last evaluated: 2021-10-08. Review status: criteria provided, single submitter. Criteria: ACMG Guidelines, 2015. Collection method: clinical testing. Allele origin: germline. Affected: no.

NM_000096.4(CP):c.2500A>G (p.Ile834Val)

Gene: CP (ceruloplasmin; minus strand). Cytogenetic location: 3q24.
Variant type: single nucleotide variant.
Coding change: c.2500A>G on transcript NM_000096.4 (MANE Select); coding-DNA position 2500, A replaced by G.
Protein change: p.Ile834Val; replaces isoleucine 834 with valine.
Molecular consequence: missense variant. On other transcripts: non-coding transcript variant (1).
Genome position (GRCh38, 1-based): chr3:149,182,059, T>C on the plus strand (A>G on the coding strand, the complement: CP is on the minus strand). VCF-style: chr3-149182059-T-C. GRCh37 (hg19) VCF-style: chr3-148899846-T-C.
Other names: short protein forms I834V.
Identifiers: ClinVar variation 1338111 (VCV001338111.7), dbSNP rs1377096899, ClinGen allele CA354930806.